The following is an entry in ClinVar:

NM_002541.4(OGDH):c.755G>A (p.Arg252Gln)

Gene: OGDH (oxoglutarate dehydrogenase; plus strand). Cytogenetic location: 7p13.
Variant type: single nucleotide variant.
Coding change: c.755G>A on transcript NM_002541.4 (MANE Select); coding-DNA position 755, G replaced by A.
Protein change: p.Arg252Gln; replaces arginine 252 with glutamine.
Molecular consequence: missense variant.
Genome position (GRCh38, 1-based): chr7:44,673,908, G>A. VCF-style: chr7-44673908-G-A. GRCh37 (hg19) VCF-style: chr7-44713507-G-A.
Other names: c.755G>A, p.Arg252Gln (NM_001003941.3); c.743G>A, p.Arg248Gln (NM_001165036.2); c.788G>A, p.Arg263Gln (NM_001363523.2); short protein forms R263Q, R252Q, R248Q.
Identifiers: ClinVar variation 2183996 (VCV002183996.4), dbSNP rs1246055947, ClinGen allele CA367409222.

ClinVar aggregate classification (germline): Uncertain significance (1 of 4 stars; one submission).

Conditions:
Oxoglutaricaciduria. Identifiers: Orphanet 31, MedGen C2752074, MONDO:0008759, OMIM 203740.

Allele frequency attached by ClinVar (database versions not stated): gnomAD exomes below 0.00001; gnomAD 0.00001.
gnomAD v4.1: 3 of 1,614,120 alleles (0.00019%); highest among the groups gnomAD compares: South Asian, 0.0011%; no homozygotes.

Submission:

Labcorp Genetics (formerly Invitae), Labcorp
Classification: Uncertain significance for Oxoglutaricaciduria. Last evaluated: 2023-05-08. Review status: criteria provided, single submitter. Criteria: Invitae Variant Classification Sherloc (09022015). Collection method: clinical testing. Allele origin: germline.
Comment: In summary, the available evidence is currently insufficient to determine the role of this variant in disease. Therefore, it has been classified as a Variant of Uncertain Significance. Advanced modeling of protein sequence and biophysical properties (such as structural, functional, and spatial information, amino acid conservation, physicochemical variation, residue mobility, and thermodynamic stability) performed at Invitae indicates that this missense variant is not expected to disrupt OGDH protein function. ClinVar contains an entry for this variant (Variation ID: 2183996). This variant has not been reported in the literature in individuals affected with OGDH-related conditions. This variant is present in population databases (no rsID available, gnomAD 0.0009%). This sequence change replaces arginine, which is basic and polar, with glutamine, which is neutral and polar, at codon 252 of the OGDH protein (p.Arg252Gln).